The following is an entry in ClinVar:

ClinVar aggregate classification (germline): Uncertain significance. Review status: criteria provided, multiple submitters, no conflicts (2 of 4 stars). 3 submissions from 3 submitters: Uncertain significance (3). Last evaluated 2025-12-17.

Conditions:
Hereditary cancer-predisposing syndrome. Also called: Neoplastic Syndromes, Hereditary; Tumor predisposition; Hereditary Cancer Syndrome; Hereditary neoplastic syndrome. Identifiers: Orphanet 140162, MedGen C0027672, MeSH D009386, MONDO:0015356.
Global developmental delay - lung cysts - overgrowth - Wilms tumor syndrome. Also called: GLOBAL DEVELOPMENTAL DELAY, LUNG CYSTS, OVERGROWTH, AND WILMS TUMOR; GLOW Syndrome. Identifiers: Orphanet 404476, MedGen C4748924, MONDO:0018445, OMIM 618272.
DICER1-related tumor predisposition. Also called: DICER1 syndrome; DICER1-related pleuropulmonary blastoma cancer predisposition syndrome. Identifiers: Orphanet 284343, MedGen C3839822, MONDO:0100216.

gnomAD v4.1: 2 of 1,613,914 alleles (0.00012%); no homozygotes.

Submissions (3):

Ambry Genetics
Classification: Uncertain significance for Hereditary cancer-predisposing syndrome. Last evaluated: 2025-12-17. Review status: criteria provided, single submitter. Criteria: Ambry Variant Classification Scheme 2023. Collection method: clinical testing. Allele origin: germline.
Comment: The p.P437L variant (also known as c.1310C>T), located in coding exon 7 of the DICER1 gene, results from a C to T substitution at nucleotide position 1310. The proline at codon 437 is replaced by leucine, an amino acid with similar properties. This amino acid position is highly conserved in available vertebrate species. In addition, the in silico prediction for this alteration is inconclusive. Based on the available evidence, the clinical significance of this variant remains unclear.

Labcorp Genetics (formerly Invitae), Labcorp
Classification: Uncertain significance for DICER1-related tumor predisposition. Last evaluated: 2025-02-06. Review status: criteria provided, single submitter. Criteria: Invitae Variant Classification Sherloc (09022015). Collection method: clinical testing. Allele origin: germline.
Comment: This sequence change replaces proline, which is neutral and non-polar, with leucine, which is neutral and non-polar, at codon 437 of the DICER1 protein (p.Pro437Leu). This variant is not present in population databases (gnomAD no frequency). This variant has not been reported in the literature in individuals affected with DICER1-related conditions. ClinVar contains an entry for this variant (Variation ID: 1412595). Invitae Evidence Modeling of protein sequence and biophysical properties (such as structural, functional, and spatial information, amino acid conservation, physicochemical variation, residue mobility, and thermodynamic stability) indicates that this missense variant is not expected to disrupt DICER1 protein function with a negative predictive value of 95%. In summary, the available evidence is currently insufficient to determine the role of this variant in disease. Therefore, it has been classified as a Variant of Uncertain Significance.

Baylor Genetics
Classification: Uncertain significance for Global developmental delay - lung cysts - overgrowth - Wilms tumor syndrome. Last evaluated: 2023-07-25. Review status: criteria provided, single submitter. Criteria: ACMG Guidelines, 2015. Collection method: clinical testing. Allele origin: unknown.

NM_177438.3(DICER1):c.1310C>T (p.Pro437Leu)

Gene: DICER1 (dicer 1, ribonuclease III; minus strand). Cytogenetic location: 14q32.13.
Variant type: single nucleotide variant.
Coding change: c.1310C>T on transcript NM_177438.3 (MANE Select); coding-DNA position 1310, C replaced by T.
Protein change: p.Pro437Leu; replaces proline 437 with leucine.
Molecular consequence: missense variant.
Genome position (GRCh38, 1-based): chr14:95,124,262, G>A on the plus strand (C>T on the coding strand, the complement: DICER1 is on the minus strand). VCF-style: chr14-95124262-G-A. GRCh37 (hg19) VCF-style: chr14-95590599-G-A.
Other names: c.1310C>T, p.Pro437Leu (NM_001195573.1, NM_001271282.3, NM_001291628.2 and 1 more transcripts); short protein forms P437L.
Identifiers: ClinVar variation 1412595 (VCV001412595.13), dbSNP rs2140201422, ClinGen allele CA390886256.